The following is an entry in ClinVar:

ClinVar aggregate classification (germline): Uncertain significance (1 of 4 stars; one submission).

Conditions:
Myofibrillar myopathy 4. Also called: Zaspopathy (type). Identifiers: Orphanet 98912, MedGen C4721886, MONDO:0012277, OMIM 609452.

Allele frequency attached by ClinVar (database versions not stated): gnomAD exomes below 0.00001 and 0.00001; ExAC 0.00002.
gnomAD v4.1: 3 of 1,612,706 alleles (0.00019%); highest among the groups gnomAD compares: East Asian, 0.0067%; no homozygotes.

Submission:

Labcorp Genetics (formerly Invitae), Labcorp
Classification: Uncertain significance for Myofibrillar myopathy 4. Last evaluated: 2020-03-10. Review status: criteria provided, single submitter. Criteria: Invitae Variant Classification Sherloc (09022015). Collection method: clinical testing. Allele origin: germline.
Comment: This sequence change replaces threonine with alanine at codon 314 of the LDB3 protein (p.Thr314Ala). The threonine residue is weakly conserved and there is a small physicochemical difference between the two amino acids. The LDB3 gene has multiple clinically relevant transcripts. This variant occurs in alternate transcript NM_007078.3, and corresponds to NM_001080116.1:c.*7200A>G in the primary transcript. This variant is present in population databases (rs756910859, ExAC 0.02%). This variant has not been reported in the literature in individuals with LDB3-related conditions. Experimental studies and prediction algorithms are not available or were not evaluated, and the functional significance of this variant is currently unknown. In summary, the available evidence is currently insufficient to determine the role of this variant in disease. Therefore, it has been classified as a Variant of Uncertain Significance.

NM_007078.3(LDB3):c.940A>G (p.Thr314Ala)

Gene: LDB3 (LIM domain binding 3; plus strand). Cytogenetic location: 10q23.2.
Variant type: single nucleotide variant.
Coding change: c.940A>G on transcript NM_007078.3 (MANE Select); coding-DNA position 940, A replaced by G.
Protein change: p.Thr314Ala; replaces threonine 314 with alanine.
Molecular consequence: missense variant. On other transcripts: intron variant (4).
Genome position (GRCh38, 1-based): chr10:86,706,574, A>G. VCF-style: chr10-86706574-A-G. GRCh37 (hg19) VCF-style: chr10-88466331-A-G.
Other names: c.799A>G, p.Thr267Ala (NM_001368066.1); c.897-3331A>G (NM_001368064.1, NM_001368065.1); c.1101-3331A>G (NM_001171610.2); c.756-3331A>G (NM_001080114.2); short protein forms T267A, T314A.
Identifiers: ClinVar variation 1006545 (VCV001006545.7), dbSNP rs756910859, ClinGen allele CA5585016.
Genomic context (GRCh38, chr10:86,706,574, plus strand): 5'-TGGTCCCGCCTCATCAGCACCCCTATTGAGCATGCGCCGGTGTGCACCAGCCAGGCCACC[A>G]CCCCGCTGCTGCCCGCTTCTGCCCAGCCACCTGCTGCTGCCTCTCCCAGTGCGGCTTCGC-3'
Protein context (NP_009009.1, residues 304-324): HAPVCTSQAT[Thr314Ala]PLLPASAQPP